The following is an entry in ClinVar:

NM_004523.4(KIF11):c.1288GAG[2] (p.Glu432del)

Gene: KIF11 (kinesin family member 11; plus strand). Cytogenetic location: 10q23.33.
Variant type: Microsatellite.
Coding change: c.1288GAG[2] on transcript NM_004523.4 (MANE Select); two copies in a row of the 3-base unit GAG starting at c.1288; the reference has three copies in a row; one copy, 3 bases deleted.
Protein change: p.Glu432del; deletes glutamic acid 432.
Molecular consequence: inframe deletion.
Genome position (GRCh38, 1-based): chr10:92,628,884-92,628,886, GAG deleted; deleting any 3 consecutive bases within chr10:92,628,878-92,628,886 gives the same sequence; the position shown is the placement nearest the transcript's 3' end. VCF-style (leftmost placement, unchanged base first): chr10-92628877-TGAG-T. GRCh37 (hg19) VCF-style: chr10-94388634-TGAG-T.
Other names: short protein forms E432del.
Identifiers: ClinVar variation 450271 (VCV000450271.20), dbSNP rs1554861545, ClinGen allele CA470784121.

ClinVar aggregate classification (germline): Conflicting classifications of pathogenicity. Review status: criteria provided, conflicting classifications (1 of 4 stars). 4 submissions from 4 submitters: Pathogenic (1); Likely pathogenic (1); Uncertain significance (1). 1 of the submissions does not count toward it. Last evaluated 2024-03-05.

Conditions:
Exudative vitreoretinopathy 1 (EVR1). Also called: CRISWICK-SCHEPENS SYNDROME; FEVR, AUTOSOMAL DOMINANT; Familial exudative vitreoretinopathy, autosomal dominant. Identifiers: Orphanet 891, Orphanet 90050, MedGen C1851402, MONDO:0007589, OMIM 133780.
Microcephaly with or without chorioretinopathy, lymphedema, or impaired intellectual development. Also called: MICROCEPHALY AND CHORIORETINOPATHY WITH OR WITHOUT MENTAL RETARDATION, AUTOSOMAL DOMINANT; Microcephaly with or without chorioretinopathy, lymphedema, or mental retardation; Microcephaly lymphedema chorioretinal dysplasia; Microcephaly with or without chorioretinopathy, lymphedema, or intellectual disability; MICROCEPHALY, LYMPHEDEMA, CHORIORETINAL DYSPLASIA SYNDROME. Identifiers: Orphanet 2526, MedGen C1835265, MONDO:0007918, OMIM 152950.
KIF11-related disorder. Also called: KIF11-related condition.

Submissions (4):

GeneDx
Classification: Pathogenic. Last evaluated: 2024-03-05. Review status: criteria provided, single submitter. Criteria: GeneDx Variant Classification Process June 2021. Collection method: clinical testing. Allele origin: germline. Affected: yes.
Comment: In silico analysis supports a deleterious effect on protein structure/function; Not observed at significant frequency in large population cohorts (gnomAD); This variant is associated with the following publications: (PMID: 35982159, 34582765, 33057194, 35456519)

Labcorp Genetics (formerly Invitae), Labcorp
Classification: Uncertain significance. Last evaluated: 2022-08-22. Review status: criteria provided, single submitter. Criteria: Invitae Variant Classification Sherloc (09022015). Collection method: clinical testing. Allele origin: germline.
Comment: This variant is not present in population databases (gnomAD no frequency). In summary, the available evidence is currently insufficient to determine the role of this variant in disease. Therefore, it has been classified as a Variant of Uncertain Significance. Experimental studies and prediction algorithms are not available or were not evaluated, and the functional significance of this variant is currently unknown. ClinVar contains an entry for this variant (Variation ID: 450271). This variant has not been reported in the literature in individuals affected with KIF11-related conditions. This variant, c.1294_1296del, results in the deletion of 1 amino acid(s) of the KIF11 protein (p.Glu432del), but otherwise preserves the integrity of the reading frame.

Blueprint Genetics
Classification: Likely pathogenic for KIF11-related disorders. Last evaluated: 2020-04-07. Review status: criteria provided, single submitter. Criteria: ACMG Guidelines, 2015. Collection method: clinical testing. Allele origin: de novo. Affected: yes. Observed: 1 variant allele.

Oxford Medical Genetics Laboratories, Oxford University Hospitals NHS Foundation Trust
Classification: Pathogenic for Microcephaly with or without chorioretinopathy, lymphedema, or impaired intellectual development. Last evaluated: 2019-05-03. Review status: no assertion criteria provided. Collection method: clinical testing. Allele origin: de novo. Affected: yes. Not counted in ClinVar's aggregate classification.